The following is an entry in ClinVar:

NM_014444.5(TUBGCP4):c.764_765delinsT (p.Lys255fs)

Gene: TUBGCP4 (tubulin gamma complex associated protein 4; plus strand). Cytogenetic location: 15q15.3.
Variant type: Indel.
Coding change: c.764_765delinsT on transcript NM_014444.5 (MANE Select); coding-DNA positions 764 to 765, AG replaced by T.
Protein change: p.Lys255fs; shifts the reading frame from lysine 255.
Molecular consequence: frameshift variant.
Genome position (GRCh38, 1-based): chr15:43,385,831-43,385,832, AG replaced by T. VCF-style: chr15-43385831-AG-T. GRCh37 (hg19) VCF-style: chr15-43678029-AG-T.
Other names: c.764_765delinsT, p.Lys255fs (NM_001286414.3); short protein forms K255fs.
Identifiers: ClinVar variation 452284 (VCV000452284.2), dbSNP rs1555394706, ClinGen allele CA658658286.

ClinVar aggregate classification (germline): Likely pathogenic (1 of 4 stars; one submission).

Submission:

GeneDx
Classification: Likely pathogenic. Last evaluated: 2017-09-15. Review status: criteria provided, single submitter. Criteria: GeneDx Variant Classification (06012015). Collection method: clinical testing. Allele origin: germline. Affected: yes.
Comment: The c.764_765delAGinsT variant in the TUBGCP4 gene has not been reported previously as a pathogenic variant nor as a benign variant, to our knowledge. The c.764_765delAGinsT variant causes a frameshift starting with codon Lysine 255, changes this amino acid to a Isoleucine residue, and creates a premature Stop codon at position 16 of the new reading frame, denoted p.K255IfsX16. This variant is predicted to cause loss of normal protein function either through protein truncation or nonsense-mediated mRNA decay. The c.764_765delAGinsT variant is not observed in large population cohorts (Lek et al., 2016; 1000 Genomes Consortium et al., 2015; Exome Variant Server). We interpret c.764_765delAGinsT as a likely pathogenic variant.